The following is an entry in ClinVar:

NM_032638.5(GATA2):c.80C>G (p.Pro27Arg)

Gene: GATA2 (GATA binding protein 2; minus strand). Cytogenetic location: 3q21.3.
Variant type: single nucleotide variant.
Coding change: c.80C>G on transcript NM_032638.5 (MANE Select); coding-DNA position 80, C replaced by G.
Protein change: p.Pro27Arg; replaces proline 27 with arginine.
Molecular consequence: missense variant.
Genome position (GRCh38, 1-based): chr3:128,486,952, G>C on the plus strand (C>G on the coding strand, the complement: GATA2 is on the minus strand). VCF-style: chr3-128486952-G-C. GRCh37 (hg19) VCF-style: chr3-128205795-G-C.
Other names: c.80C>G, p.Pro27Arg (NM_001145661.2, NM_001145662.1); short protein forms P27R.
Identifiers: ClinVar variation 2942028 (VCV002942028.3), dbSNP rs2068709954, ClinGen allele CA354408997.
Genomic context (GRCh38, chr3:128,486,952, plus strand): 5'-ACGTCCACCTCGTCTGGAGGCAGCAGCTGCGCGGGTTCCATGTAGTTGTGCGCCAGGCCC[G>C]GGTGGTGTGAGTCGGGGTGCTGCGCATTCAGCACGGCCGGGTGCGCCATCCAGCGCGGCT-3'
Protein context (NP_116027.2, residues 17-37): LNAQHPDSHH[Pro27Arg]GLAHNYMEPA

ClinVar aggregate classification (germline): Uncertain significance (1 of 4 stars; one submission).

Conditions:
Deafness-lymphedema-leukemia syndrome. Also called: Lymphedema, primary, with myelodysplasia; Emberger syndrome. Identifiers: Orphanet 3226, MedGen C3279664, MONDO:0013540, OMIM 614038.
Monocytopenia with susceptibility to infections. Also called: MONOCYTOPENIA AND MYCOBACTERIAL INFECTION SYNDROME; MONOCYTOPENIA WITH SUSCEPTIBILITY TO MYCOBACTERIAL, FUNGAL, AND PAPILLOMAVIRUS INFECTIONS AND MYELODYSPLASIA; COMBINED IMMUNODEFICIENCY WITH SUSCEPTIBILITY TO MYCOBACTERIAL, VIRAL, AND FUNGAL INFECTIONS; Dendritic cell, monocyte, B lymphocyte, and natural killer lymphocyte deficiency; IMMUNODEFICIENCY 21; GATA2 DEFICIENCY. Identifiers: Orphanet 228423, MedGen C3280030, MONDO:0013607, OMIM 614172.

Submission:

Labcorp Genetics (formerly Invitae), Labcorp
Classification: Uncertain significance for Monocytopenia with susceptibility to infections; Deafness-lymphedema-leukemia syndrome. Last evaluated: 2022-12-03. Review status: criteria provided, single submitter. Criteria: Invitae Variant Classification Sherloc (09022015). Collection method: clinical testing. Allele origin: germline.
Comment: Algorithms developed to predict the effect of missense changes on protein structure and function (SIFT, PolyPhen-2, Align-GVGD) all suggest that this variant is likely to be tolerated. This sequence change replaces proline, which is neutral and non-polar, with arginine, which is basic and polar, at codon 27 of the GATA2 protein (p.Pro27Arg). This variant is not present in population databases (gnomAD no frequency). This variant has not been reported in the literature in individuals affected with GATA2-related conditions. In summary, the available evidence is currently insufficient to determine the role of this variant in disease. Therefore, it has been classified as a Variant of Uncertain Significance.